The following is an entry in ClinVar:

NM_001142966.3(GREB1L):c.1363C>T (p.Leu455Phe)

Genes: GREB1L (GREB1 like retinoic acid receptor coactivator; plus strand), LOC101927521 (uncharacterized LOC101927521; minus strand). Cytogenetic location: 18q11.1.
Variant type: single nucleotide variant.
Coding change: c.1363C>T on transcript NM_001142966.3 (MANE Select); coding-DNA position 1363, C replaced by T.
Protein change: p.Leu455Phe; replaces leucine 455 with phenylalanine.
Molecular consequence: missense variant.
Genome position (GRCh38, 1-based): chr18:21,444,379, C>T. VCF-style: chr18-21444379-C-T. GRCh37 (hg19) VCF-style: chr18-19024340-C-T.
Other names: c.1492C>T, p.Leu498Phe (NM_001410867.1); c.1363C>T, p.Leu455Phe (NM_001410868.1); short protein forms L455F, L498F.
Identifiers: ClinVar variation 3381367 (VCV003381367.1).

ClinVar aggregate classification (germline): Uncertain significance (1 of 4 stars; one submission).

Submission:

GeneDx
Classification: Uncertain significance. Last evaluated: 2024-05-25. Review status: criteria provided, single submitter. Criteria: GeneDx Variant Classification Process June 2021. Collection method: clinical testing. Allele origin: germline. Affected: yes.
Comment: Not observed at significant frequency in large population cohorts (gnomAD); In silico analysis supports that this missense variant has a deleterious effect on protein structure/function; Has not been previously published as pathogenic or benign to our knowledge